The following is an entry in ClinVar:

NM_001080517.3(SETD5):c.2698C>T (p.Arg900Cys)

Gene: SETD5 (SET domain containing 5; plus strand). Cytogenetic location: 3p25.3.
Variant type: single nucleotide variant.
Coding change: c.2698C>T on transcript NM_001080517.3 (MANE Select); coding-DNA position 2698, C replaced by T.
Protein change: p.Arg900Cys; replaces arginine 900 with cysteine.
Molecular consequence: missense variant.
Genome position (GRCh38, 1-based): chr3:9,464,646, C>T. VCF-style: chr3-9464646-C-T. GRCh37 (hg19) VCF-style: chr3-9506330-C-T.
Other names: c.2404C>T, p.Arg802Cys (NM_001292043.2, NM_001349451.2); short protein forms R802C, R900C.
Identifiers: ClinVar variation 1208043 (VCV001208043.3), dbSNP rs113593115, ClinGen allele CA2239501.

ClinVar aggregate classification (germline): Likely benign (1 of 4 stars; one submission).

Allele frequency attached by ClinVar (database versions not stated): gnomAD exomes 0.00001 and 0.00003; ExAC 0.00002; gnomAD 0.00002; TOPMed 0.00002.
gnomAD v4.1: 15 of 1,613,812 alleles (0.00093%); highest among the groups gnomAD compares: Admixed American, 0.012%; no homozygotes.

Submission:

GeneDx
Classification: Likely benign. Last evaluated: 2021-01-08. Review status: criteria provided, single submitter. Criteria: GeneDx Variant Classification Process June 2021. Collection method: clinical testing. Allele origin: germline. Affected: yes.
Comment: This variant is associated with the following publications: (PMID: 28191889)